The following is an entry in ClinVar:

NM_020442.6(VARS2):c.2399G>A (p.Arg800Gln)

Gene: VARS2 (valyl-tRNA synthetase 2, mitochondrial; plus strand). Cytogenetic location: 6p21.33.
Variant type: single nucleotide variant.
Coding change: c.2399G>A on transcript NM_020442.6 (MANE Select); coding-DNA position 2399, G replaced by A.
Protein change: p.Arg800Gln; replaces arginine 800 with glutamine.
Molecular consequence: missense variant.
Genome position (GRCh38, 1-based): chr6:30,923,438, G>A. VCF-style: chr6-30923438-G-A. GRCh37 (hg19) VCF-style: chr6-30891215-G-A.
Other names: c.1979G>A, p.Arg660Gln (NM_001167733.3); c.2489G>A, p.Arg830Gln (NM_001167734.2); short protein forms R660Q, R800Q, R830Q.
Identifiers: ClinVar variation 3389343 (VCV003389343.14).

ClinVar aggregate classification (germline): Uncertain significance (1 of 4 stars; one submission).

gnomAD v4.1: 12 of 1,612,086 alleles (0.00074%); highest among the groups gnomAD compares: Middle Eastern, 0.016%; no homozygotes.

Submission:

CeGaT Center for Human Genetics Tuebingen
Classification: Uncertain significance. Last evaluated: 2024-12-01. Review status: criteria provided, single submitter. Criteria: CeGaT Center For Human Genetics Tuebingen Variant Classification Criteria Version 2. Collection method: clinical testing. Allele origin: germline. Affected: yes. Observed: 1 variant allele.
Comment: VARS2: PM2, BP4